The following is an entry in ClinVar:

ClinVar aggregate classification (germline): Uncertain significance. Review status: criteria provided, multiple submitters, no conflicts (2 of 4 stars). 3 submissions from 3 submitters: Uncertain significance (3). Last evaluated 2026-02-03.

Conditions:
Hereditary cancer-predisposing syndrome. Also called: Neoplastic Syndromes, Hereditary; Tumor predisposition; Hereditary Cancer Syndrome; Hereditary neoplastic syndrome. Identifiers: Orphanet 140162, MedGen C0027672, MeSH D009386, MONDO:0015356.
Breast-ovarian cancer, familial, susceptibility to, 4. Identifiers: Orphanet 145, MedGen C3280345, MONDO:0013669, OMIM 614291.

Submissions (3):

Labcorp Genetics (formerly Invitae), Labcorp
Classification: Uncertain significance for Breast-ovarian cancer, familial, susceptibility to, 4. Last evaluated: 2026-02-03. Review status: criteria provided, single submitter. Criteria: Invitae Variant Classification Sherloc (09022015). Collection method: clinical testing. Allele origin: germline.
Comment: This sequence change replaces proline, which is neutral and non-polar, with leucine, which is neutral and non-polar, at codon 109 of the RAD51D protein (p.Pro109Leu). This variant is not present in population databases (gnomAD no frequency). This variant has not been reported in the literature in individuals affected with RAD51D-related conditions. ClinVar contains an entry for this variant (Variation ID: 920315). Invitae Evidence Modeling of protein sequence and biophysical properties (such as structural, functional, and spatial information, amino acid conservation, physicochemical variation, residue mobility, and thermodynamic stability) indicates that this missense variant is expected to disrupt RAD51D protein function with a positive predictive value of 80%. In summary, the available evidence is currently insufficient to determine the role of this variant in disease. Therefore, it has been classified as a Variant of Uncertain Significance.

Ambry Genetics
Classification: Uncertain significance for Hereditary cancer-predisposing syndrome. Last evaluated: 2025-07-06. Review status: criteria provided, single submitter. Criteria: Ambry Variant Classification Scheme 2023. Collection method: clinical testing. Allele origin: germline.
Comment: The p.P109L variant (also known as c.326C>T), located in coding exon 4 of the RAD51D gene, results from a C to T substitution at nucleotide position 326. The proline at codon 109 is replaced by leucine, an amino acid with similar properties. This amino acid position is conserved. In addition, this alteration is predicted to be deleterious by in silico analysis. Based on the available evidence, the clinical significance of this variant remains unclear.

Color Diagnostics, LLC DBA Color Health
Classification: Uncertain significance for Hereditary cancer-predisposing syndrome. Last evaluated: 2024-03-06. Review status: criteria provided, single submitter. Criteria: ACMG Guidelines, 2015. Collection method: clinical testing. Allele origin: germline.
Comment: This missense variant replaces proline with leucine at codon 109 of the RAD51D protein. Computational prediction tool suggests that this variant may not impact protein structure and function (internally defined REVEL score threshold <=0.5, PMID: 27666373). Splice site prediction tools suggest that this variant may not impact RNA splicing. To our knowledge, functional studies have not been performed for this variant. This variant has not been reported in individuals affected with hereditary cancer in the literature. This variant has not been identified in the general population by the Genome Aggregation Database (gnomAD). The available evidence is insufficient to determine the role of this variant in disease conclusively. Therefore, this variant is classified as a Variant of Uncertain Significance.

NM_002878.4(RAD51D):c.326C>T (p.Pro109Leu)

Genes: RAD51D (RAD51 paralog D; minus strand), RAD51L3-RFFL (RAD51L3-RFFL readthrough; minus strand). Cytogenetic location: 17q12.
Variant type: single nucleotide variant.
Coding change: c.326C>T on transcript NM_002878.4 (MANE Select); coding-DNA position 326, C replaced by T.
Protein change: p.Pro109Leu; replaces proline 109 with leucine.
Molecular consequence: missense variant. On other transcripts: non-coding transcript variant (2), intron variant (1).
Genome position (GRCh38, 1-based): chr17:35,107,385, G>A on the plus strand (C>T on the coding strand, the complement: RAD51D is on the minus strand). VCF-style: chr17-35107385-G-A. GRCh37 (hg19) VCF-style: chr17-33434404-G-A.
Other names: c.386C>T, p.Pro129Leu (NM_001142571.2); c.145-904C>T (NM_133629.3); short protein forms P129L, P109L.
Identifiers: ClinVar variation 920315 (VCV000920315.8), dbSNP rs2091620383, ClinGen allele CA399089913.